The following is an entry in ClinVar:

NM_173728.4(ARHGEF15):c.2472G>T (p.Arg824Ser)

Gene: ARHGEF15 (Rho guanine nucleotide exchange factor 15; plus strand). Cytogenetic location: 17p13.1.
Variant type: single nucleotide variant.
Coding change: c.2472G>T on transcript NM_173728.4 (MANE Select); coding-DNA position 2472, G replaced by T.
Protein change: p.Arg824Ser; replaces arginine 824 with serine.
Molecular consequence: missense variant.
Genome position (GRCh38, 1-based): chr17:8,320,939, G>T. VCF-style: chr17-8320939-G-T. GRCh37 (hg19) VCF-style: chr17-8224257-G-T.
Other names: c.2472G>T, p.Arg824Ser (NM_025014.2); short protein forms R824S.
Identifiers: ClinVar variation 2737660 (VCV002737660.3), dbSNP rs1024597768, ClinGen allele CA398026097.

ClinVar aggregate classification (germline): Uncertain significance (1 of 4 stars; one submission).

Conditions:
Early-infantile DEE. Also called: Early infantile epileptic encephalopathy with suppression bursts; Early infantile epileptic encephalopathy; Ohtahara syndrome. Identifiers: Orphanet 1934, MedGen C0393706, MONDO:0800491.

Allele frequency attached by ClinVar (database versions not stated): TOPMed below 0.00001; gnomAD 0.00001.

Submission:

Labcorp Genetics (formerly Invitae), Labcorp
Classification: Uncertain significance for Early-infantile DEE. Last evaluated: 2026-01-05. Review status: criteria provided, single submitter. Criteria: Invitae Variant Classification Sherloc (09022015). Collection method: clinical testing. Allele origin: germline.
Comment: This sequence change replaces arginine, which is basic and polar, with serine, which is neutral and polar, at codon 824 of the ARHGEF15 protein (p.Arg824Ser). This variant is present in population databases (no rsID available, gnomAD 0.0009%). This variant has not been reported in the literature in individuals affected with ARHGEF15-related conditions. ClinVar contains an entry for this variant (Variation ID: 2737660). An algorithm developed to predict the effect of missense changes on protein structure and function (PolyPhen-2) suggests that this variant is likely to be tolerated. In summary, the available evidence is currently insufficient to determine the role of this variant in disease. Therefore, it has been classified as a Variant of Uncertain Significance.